The following is an entry in ClinVar:

ClinVar aggregate classification (germline): Benign (1 of 4 stars; one submission).

Conditions:
Parkinson disease 17 (PARK17). Also called: VPS35-Related Parkinson Disease. Identifiers: Orphanet 411602, MedGen C3280133, MONDO:0013625, OMIM 614203.

Allele frequency attached by ClinVar (database versions not stated): gnomAD 0.00029; gnomAD exomes 0.00037; 1000 Genomes Project 0.00040; TOPMed 0.00064.
gnomAD v4.1: 107 of 193,658 alleles (0.055%); highest among the groups gnomAD compares: Admixed American, 0.11%; 1 homozygote.

Submission:

Illumina Laboratory Services, Illumina
Classification: Benign for Parkinson disease 17. Last evaluated: 2018-01-13. Review status: criteria provided, single submitter. Criteria: ICSL Variant Classification Criteria 13 December 2019. Collection method: clinical testing. Allele origin: germline.
Comment: This variant was observed in the ICSL laboratory as part of a predisposition screen in an ostensibly healthy population. It had not been previously curated by ICSL or reported in the Human Gene Mutation Database (HGMD: prior to June 1st, 2018), and was therefore a candidate for classification through an automated scoring system. Utilizing variant allele frequency, disease prevalence and penetrance estimates, and inheritance mode, an automated score was calculated to assess if this variant is too frequent to cause the disease. Based on the score and internal cut-off values, a variant classified as benign is not then subjected to further curation. The score for this variant resulted in a classification of benign for this disease.

NM_018206.6(VPS35):c.*346G>A

Gene: VPS35 (VPS35 retromer complex component; minus strand). Cytogenetic location: 16q11.2.
Variant type: single nucleotide variant.
Coding change: c.*346G>A on transcript NM_018206.6 (MANE Select); 346 bases downstream of the stop codon, G replaced by A.
Molecular consequence: 3 prime UTR variant.
Genome position (GRCh38, 1-based): chr16:46,660,126, C>T on the plus strand (G>A on the coding strand, the complement: VPS35 is on the minus strand). VCF-style: chr16-46660126-C-T. GRCh37 (hg19) VCF-style: chr16-46694038-C-T.
Identifiers: ClinVar variation 319272 (VCV000319272.5), dbSNP rs545755034, ClinGen allele CA10648398.